The following is an entry in ClinVar:

NM_004655.4(AXIN2):c.2135A>G (p.Lys712Arg)

Gene: AXIN2 (axin 2; minus strand). Cytogenetic location: 17q24.1.
Variant type: single nucleotide variant.
Coding change: c.2135A>G on transcript NM_004655.4 (MANE Select); coding-DNA position 2135, A replaced by G.
Protein change: p.Lys712Arg; replaces lysine 712 with arginine.
Molecular consequence: missense variant.
Genome position (GRCh38, 1-based): chr17:65,536,326, T>C on the plus strand (A>G on the coding strand, the complement: AXIN2 is on the minus strand). VCF-style: chr17-65536326-T-C. GRCh37 (hg19) VCF-style: chr17-63532444-T-C.
Other names: c.1940A>G, p.Lys647Arg (NM_001363813.1); short protein forms K647R, K712R.
Identifiers: ClinVar variation 3657350 (VCV003657350.2).
Genomic context (GRCh38, chr17:65,536,326, plus strand): 5'-TCTCCACCCAAACCCAATCCCTGCCTCAACCTAGGACCCTTCACTTCCACTCACCGCTGC[T>C]TTGGGGGCTTCGACACCTCAGCTAGCCTGCGACAGGCCTCCTCCAGCTGAGCCAGCGTGT-3'
Protein context (NP_004646.3, residues 702-722): RRLAEVSKPP[Lys712Arg]QRCCVASQQR

ClinVar aggregate classification (germline): Uncertain significance (1 of 4 stars; one submission).

Conditions:
Oligodontia-cancer predisposition syndrome. Also called: TOOTH AGENESIS-COLORECTAL CANCER SYNDROME. Identifiers: Orphanet 300576, MedGen C1837750, MONDO:0012075, OMIM 608615. Disease mechanism: loss of function.

Submission:

Labcorp Genetics (formerly Invitae), Labcorp
Classification: Uncertain significance for Oligodontia-cancer predisposition syndrome. Last evaluated: 2024-06-22. Review status: criteria provided, single submitter. Criteria: Invitae Variant Classification Sherloc (09022015). Collection method: clinical testing. Allele origin: germline.
Comment: This sequence change replaces lysine, which is basic and polar, with arginine, which is basic and polar, at codon 712 of the AXIN2 protein (p.Lys712Arg). This variant is not present in population databases (gnomAD no frequency). This variant has not been reported in the literature in individuals affected with AXIN2-related conditions. Advanced modeling of protein sequence and biophysical properties (such as structural, functional, and spatial information, amino acid conservation, physicochemical variation, residue mobility, and thermodynamic stability) performed at Invitae indicates that this missense variant is not expected to disrupt AXIN2 protein function with a negative predictive value of 80%. In summary, the available evidence is currently insufficient to determine the role of this variant in disease. Therefore, it has been classified as a Variant of Uncertain Significance.